The following is an entry in ClinVar:

NM_001277115.2(DNAH11):c.121_129dup (p.Asn41_Glu43dup)

Gene: DNAH11 (dynein axonemal heavy chain 11; plus strand). Cytogenetic location: 7p15.3.
Variant type: Duplication.
Coding change: c.121_129dup on transcript NM_001277115.2 (MANE Select); coding-DNA positions 121 to 129, 9 bases duplicated (AACGAGGAG; older notation c.121_129dupAACGAGGAG).
Protein change: p.Asn41_Glu43dup.
Molecular consequence: inframe insertion.
Genome position (GRCh38, 1-based): chr7:21,543,366-21,543,374, AACGAGGAG duplicated; duplicating any 9 consecutive bases within chr7:21,543,360-21,543,374 gives the same sequence; the c. name uses the placement nearest the transcript's 3' end. VCF-style (leftmost placement, unchanged base first): chr7-21543359-G-GGAGGAGAAC. GRCh37 (hg19) VCF-style: chr7-21582977-G-GGAGGAGAAC.
Identifiers: ClinVar variation 640326 (VCV000640326.6), dbSNP rs1583467731, ClinGen allele CA915944892.

ClinVar aggregate classification (germline): Uncertain significance (1 of 4 stars; one submission).

Conditions:
Primary ciliary dyskinesia. Also called: Ciliary dyskinesia. Identifiers: Orphanet 244, MedGen C0008780, MONDO:0016575, HP:0012265.

Submission:

Labcorp Genetics (formerly Invitae), Labcorp
Classification: Uncertain significance for Primary ciliary dyskinesia. Last evaluated: 2022-02-04. Review status: criteria provided, single submitter. Criteria: Invitae Variant Classification Sherloc (09022015). Collection method: clinical testing. Allele origin: germline.
Comment: This variant, c.121_129dup, results in the insertion of 3 amino acid(s) of the DNAH11 protein (p.Asn41_Glu43dup), but otherwise preserves the integrity of the reading frame. This variant is not present in population databases (gnomAD no frequency). This variant has not been reported in the literature in individuals affected with DNAH11-related conditions. ClinVar contains an entry for this variant (Variation ID: 640326). Experimental studies and prediction algorithms are not available or were not evaluated, and the functional significance of this variant is currently unknown. In summary, the available evidence is currently insufficient to determine the role of this variant in disease. Therefore, it has been classified as a Variant of Uncertain Significance.